The following is an entry in ClinVar:

ClinVar aggregate classification (germline): Likely benign. Review status: criteria provided, multiple submitters, no conflicts (2 of 4 stars). 2 submissions from 2 submitters: Likely benign (2). Last evaluated 2025-08-16.

Conditions:
KCNQ4-related disorder. Also called: KCNQ4-related condition.

Allele frequency attached by ClinVar (database versions not stated): gnomAD 0.00006 and 0.00010; TOPMed 0.00010; gnomAD exomes 0.00018; ExAC 0.00029; 1000 Genomes Project 0.00040; 1000 Genomes Project 30x 0.00078.
gnomAD v4.1: 153 of 1,607,242 alleles (0.0095%); highest among the groups gnomAD compares: East Asian, 0.13%; no homozygotes.

Submissions (2):

Labcorp Genetics (formerly Invitae), Labcorp
Classification: Likely benign. Last evaluated: 2025-08-16. Review status: criteria provided, single submitter. Criteria: Invitae Variant Classification Sherloc (09022015). Collection method: clinical testing. Allele origin: germline.

PreventionGenetics, part of Exact Sciences
Classification: Likely benign for KCNQ4-related condition. Last evaluated: 2024-12-20. Review status: criteria provided, single submitter. Criteria: ACMG Guidelines, 2015. Collection method: clinical testing. Allele origin: germline.
Comment: This variant is classified as likely benign based on ACMG/AMP sequence variant interpretation guidelines (Richards et al. 2015 PMID: 25741868, with internal and published modifications).

NM_004700.4(KCNQ4):c.1258C>T (p.Arg420Trp)

Gene: KCNQ4 (potassium voltage-gated channel subfamily Q member 4; plus strand). Cytogenetic location: 1p34.2.
Variant type: single nucleotide variant.
Coding change: c.1258C>T on transcript NM_004700.4 (MANE Select); coding-DNA position 1258, C replaced by T.
Protein change: p.Arg420Trp; replaces arginine 420 with tryptophan.
Molecular consequence: missense variant. On other transcripts: intron variant (1).
Genome position (GRCh38, 1-based): chr1:40,824,224, C>T. VCF-style: chr1-40824224-C-T. GRCh37 (hg19) VCF-style: chr1-41289896-C-T.
Other names: c.1258C>T (NM_004700.3); c.1130+1822C>T (NM_172163.3); short protein forms R420W.
Identifiers: ClinVar variation 1633982 (VCV001633982.9), dbSNP rs576041348, ClinGen allele CA794817.